The following is an entry in ClinVar:

ClinVar aggregate classification (germline): Likely benign (1 of 4 stars; one submission).

Submission:

GeneDx
Classification: Likely benign. Last evaluated: 2013-10-30. Review status: criteria provided, single submitter. Criteria: GeneDx Variant Classification (06012015). Collection method: clinical testing. Allele origin: germline. Affected: yes.
Comment: This variant is considered likely benign or benign based on one or more of the following criteria: it is a conservative change, it occurs at a poorly conserved position in the protein, it is predicted to be benign by multiple in silico algorithms, and/or has population frequency not consistent with disease.

NM_025152.3(NUBPL):c.167G>A (p.Gly56Glu)

Gene: NUBPL (NUBP iron-sulfur cluster assembly factor, mitochondrial; plus strand). Cytogenetic location: 14q12.
Variant type: single nucleotide variant.
Coding change: c.167G>A on transcript NM_025152.3 (MANE Select); coding-DNA position 167, G replaced by A.
Protein change: p.Gly56Glu; replaces glycine 56 with glutamic acid.
Molecular consequence: missense variant. On other transcripts: non-coding transcript variant (1).
Genome position (GRCh38, 1-based): chr14:31,562,126, G>A. VCF-style: chr14-31562126-G-A. GRCh37 (hg19) VCF-style: chr14-32031332-G-A.
Other names: short protein forms G56E.
Identifiers: ClinVar variation 214872 (VCV000214872.1), dbSNP rs863224122, ClinGen allele CA323469.
Genomic context (GRCh38, chr14:31,562,126, plus strand): 5'-AGTTGTCTGGCGCCGGGAGTGAGACCCTAAAACAAAGAAGAACACAAATCATGTCCCGAG[G>A]ACTTCCAAAGCAGAAACCGATAGAAGGTGTTAAACAAGTTATAGTTGTGGCTTCTGGAAA-3'
Protein context (NP_079428.2, residues 46-66): KQRRTQIMSR[Gly56Glu]LPKQKPIEGV